The following is an entry in ClinVar:

NM_181332.3(NLGN4X):c.519T>G (p.His173Gln)

Gene: NLGN4X (neuroligin 4 X-linked; minus strand). Cytogenetic location: Xp22.32.
Variant type: single nucleotide variant.
Coding change: c.519T>G on transcript NM_181332.3 (MANE Select); coding-DNA position 519, T replaced by G.
Protein change: p.His173Gln; replaces histidine 173 with glutamine.
Molecular consequence: missense variant.
Genome position (GRCh38, 1-based): chrX:6,029,386, A>C on the plus strand (T>G on the coding strand, the complement: NLGN4X is on the minus strand). VCF-style: chrX-6029386-A-C. GRCh37 (hg19) VCF-style: chrX-5947427-A-C.
Other names: c.519T>G, p.His173Gln (NM_001282145.2, NM_001282146.2, NM_001441322.1 and 4 more transcripts); short protein forms H173Q.
Identifiers: ClinVar variation 4626198 (VCV004626198.1).

ClinVar aggregate classification (germline): Uncertain significance (1 of 4 stars; one submission).

Conditions:
Inborn genetic diseases. Identifiers: MedGen C0950123, MeSH D030342.

Submission:

Ambry Genetics
Classification: Uncertain significance for Inborn genetic diseases. Last evaluated: 2025-11-06. Review status: criteria provided, single submitter. Criteria: Ambry Variant Classification Scheme 2023. Collection method: clinical testing. Allele origin: germline.
Comment: The c.519T>G (p.H173Q) alteration is located in exon 3 (coding exon 2) of the NLGN4X gene. This alteration results from a T to G substitution at nucleotide position 519, causing the histidine (H) at amino acid position 173 to be replaced by a glutamine (Q). Based on data from gnomAD, the G allele has an overall frequency of <0.001% (1/183319) total alleles studied. The highest observed frequency was 0.001% (1/81852) of European (non-Finnish) alleles. Based on insufficient or conflicting evidence, the clinical significance of this alteration remains unclear.